The following is an entry in ClinVar:

NM_001080517.3(SETD5):c.3246del (p.Ala1083fs)

Gene: SETD5 (SET domain containing 5; plus strand). Cytogenetic location: 3p25.3.
Variant type: Deletion.
Coding change: c.3246del on transcript NM_001080517.3 (MANE Select); coding-DNA position 3246, one base deleted (T; older notation c.3246delT).
Protein change: p.Ala1083fs; shifts the reading frame from alanine 1083.
Molecular consequence: frameshift variant.
Genome position (GRCh38, 1-based): chr3:9,473,286, T deleted. VCF-style (leftmost placement, unchanged base first): chr3-9473285-CT-C. GRCh37 (hg19) VCF-style: chr3-9514969-CT-C.
Other names: c.2952del, p.Ala985fs (NM_001292043.2, NM_001349451.2); short protein forms A1083fs, A985fs.
Identifiers: ClinVar variation 280577 (VCV000280577.2), dbSNP rs886041755, ClinGen allele CA10602897.

ClinVar aggregate classification (germline): Pathogenic (1 of 4 stars; one submission).

Submission:

GeneDx
Classification: Pathogenic. Last evaluated: 2016-05-06. Review status: criteria provided, single submitter. Criteria: GeneDx Variant Classification (06012015). Collection method: clinical testing. Allele origin: germline. Affected: yes.
Comment: The c.3246delT variant in the SETD5 gene has not been reported previously as a pathogenic variant nor as a benign variant, to our knowledge. The c.3246delT variant causes a frameshift starting with codon Alanine 1083, changes this amino acid to a Leucine residue, and creates a premature Stop codon at position 61 of the new reading frame, denoted p.Ala1083LeufsX61. This variant is predicted to cause loss of normal protein function either through protein truncation or nonsense-mediated mRNA decay. The c.3246delT variant was not observed in approximately 6100 individuals of European and African American ancestry in the NHLBI Exome Sequencing Project, indicating it is not a common benign variant in these populations. We interpret c.3246delT as a pathogenic variant.